The following is an entry in ClinVar:

ClinVar aggregate classification (germline): Pathogenic (1 of 4 stars; one submission).

Conditions:
Hereditary breast ovarian cancer syndrome. Also called: Hereditary breast and ovarian cancer; Breast and ovarian cancer; BRCA1- and BRCA2-Associated Hereditary Breast and Ovarian Cancer; Hereditary breast and/or ovarian cancer syndrome; Hereditary breast and ovarian cancer syndrome; Hereditary breast and ovarian cancer syndrome (HBOC). Identifiers: Orphanet 145, MedGen C0677776, MeSH D061325, MONDO:0003582. Disease mechanism: loss of function.

Submission:

Labcorp Genetics (formerly Invitae), Labcorp
Classification: Pathogenic for Hereditary breast ovarian cancer syndrome. Last evaluated: 2021-05-25. Review status: criteria provided, single submitter. Criteria: Invitae Variant Classification Sherloc (09022015). Collection method: clinical testing. Allele origin: germline.
Comment: For these reasons, this variant has been classified as Pathogenic. This variant has not been reported in the literature in individuals with BRCA2-related conditions. This variant is not present in population databases (ExAC no frequency). This sequence change creates a premature translational stop signal (p.Gln3026Valfs*17) in the BRCA2 gene. It is expected to result in an absent or disrupted protein product. Loss-of-function variants in BRCA2 are known to be pathogenic (PMID: 20104584).

Literature cited by the submitters: PubMed 20104584.

NM_000059.4(BRCA2):c.9076_9077del (p.Gln3026fs)

Gene: BRCA2 (BRCA2 DNA repair associated; plus strand). Cytogenetic location: 13q13.1.
Variant type: Deletion.
Coding change: c.9076_9077del on transcript NM_000059.4 (MANE Select); coding-DNA positions 9076 to 9077, 2 bases deleted (CA; older notation c.9076_9077delCA).
Protein change: p.Gln3026fs; shifts the reading frame from glutamine 3026.
Molecular consequence: frameshift variant.
Genome position (GRCh38, 1-based): chr13:32,379,872-32,379,873, CA deleted; deleting any 2 consecutive bases within chr13:32,379,871-32,379,873 gives the same sequence; the c. name uses the placement nearest the transcript's 3' end. VCF-style (leftmost placement, unchanged base first): chr13-32379870-TAC-T. GRCh37 (hg19) VCF-style: chr13-32954007-TAC-T.
Other names: short protein forms Q3026fs.
Identifiers: ClinVar variation 1457688 (VCV001457688.6), dbSNP rs2137623373, ClinGen allele CA2573149238.